The following is an entry in ClinVar:

NM_000059.4(BRCA2):c.1403_1406del (p.Arg468fs)

Gene: BRCA2 (BRCA2 DNA repair associated; plus strand). Cytogenetic location: 13q13.1.
Variant type: Microsatellite.
Coding change: c.1403_1406del on transcript NM_000059.4 (MANE Select); coding-DNA positions 1403 to 1406, 4 bases deleted (GAGA; older notation c.1403_1406delGAGA).
Protein change: p.Arg468fs; shifts the reading frame from arginine 468.
Molecular consequence: frameshift variant.
Genome position (GRCh38, 1-based): chr13:32,332,881-32,332,884, GAGA deleted; deleting any 4 consecutive bases within chr13:32,332,878-32,332,884 gives the same sequence; the c. name uses the placement nearest the transcript's 3' end. VCF-style (leftmost placement, unchanged base first): chr13-32332877-AAGAG-A. GRCh37 (hg19) VCF-style: chr13-32907014-AAGAG-A.
Other names: short protein forms R468fs.
Identifiers: ClinVar variation 1068929 (VCV001068929.9), dbSNP rs397507586, ClinGen allele CA2580614652.

ClinVar aggregate classification (germline): Pathogenic (1 of 4 stars; one submission).

Conditions:
Hereditary breast ovarian cancer syndrome. Also called: Breast and ovarian cancer; BRCA1- and BRCA2-Associated Hereditary Breast and Ovarian Cancer; Hereditary breast and ovarian cancer syndrome; Hereditary breast and/or ovarian cancer syndrome; Hereditary breast and ovarian cancer; Hereditary breast and ovarian cancer syndrome (HBOC). Identifiers: Orphanet 145, MedGen C0677776, MeSH D061325, MONDO:0003582. Disease mechanism: loss of function.

Submission:

Labcorp Genetics (formerly Invitae), Labcorp
Classification: Pathogenic for Hereditary breast ovarian cancer syndrome. Last evaluated: 2025-07-27. Review status: criteria provided, single submitter. Criteria: Invitae Variant Classification Sherloc (09022015). Collection method: clinical testing. Allele origin: germline.
Comment: This sequence change creates a premature translational stop signal (p.Arg468Metfs*16) in the BRCA2 gene. It is expected to result in an absent or disrupted protein product. Loss-of-function variants in BRCA2 are known to be pathogenic (PMID: 20104584). This variant is not present in population databases (gnomAD no frequency). This variant has not been reported in the literature in individuals affected with BRCA2-related conditions. For these reasons, this variant has been classified as Pathogenic.

Literature cited by the submitters: PubMed 20104584.